The following is an entry in ClinVar:

ClinVar aggregate classification (germline): Uncertain significance (1 of 4 stars; one submission).

Conditions:
Ehlers-Danlos syndrome, classic type, 1 (EDSCL1). Also called: EDS I; EHLERS-DANLOS SYNDROME, GRAVIS TYPE; EHLERS-DANLOS SYNDROME, SEVERE CLASSIC TYPE; Ehlers-Danlos syndrome, type 1; Ehlers-Danlos Syndrome, Classic Type, COL5A1-Related. Identifiers: MedGen C0268335, MONDO:0019567, OMIM 130000.

Allele frequency attached by ClinVar (database versions not stated): gnomAD exomes below 0.00001; ExAC 0.00002.
gnomAD v4.1: 1 of 1,596,164 alleles (0.000063%); highest among the groups gnomAD compares: Non-Finnish European, 0.000085%; no homozygotes.

Submission:

Labcorp Genetics (formerly Invitae), Labcorp
Classification: Uncertain significance for Ehlers-Danlos syndrome, classic type, 1. Last evaluated: 2022-10-28. Review status: criteria provided, single submitter. Criteria: Invitae Variant Classification Sherloc (09022015). Collection method: clinical testing. Allele origin: germline.
Comment: In summary, the available evidence is currently insufficient to determine the role of this variant in disease. Therefore, it has been classified as a Variant of Uncertain Significance. Variants that disrupt the consensus splice site are a relatively common cause of aberrant splicing (PMID: 17576681, 9536098). Algorithms developed to predict the effect of sequence changes on RNA splicing suggest that this variant is not likely to affect RNA splicing. This variant has not been reported in the literature in individuals affected with COL5A1-related conditions. The frequency data for this variant in the population databases is considered unreliable, as metrics indicate poor data quality at this position in the gnomAD database. This sequence change affects codon 1038 of the COL5A1 mRNA. It is a 'silent' change, meaning that it does not change the encoded amino acid sequence of the COL5A1 protein. This variant also falls at the last nucleotide of exon 39, which is part of the consensus splice site for this exon.

Literature cited by the submitters: PubMed 17576681; PubMed 9536098.

NM_000093.5(COL5A1):c.3114G>A (p.Lys1038=)

Gene: COL5A1 (collagen type V alpha 1 chain; plus strand). Cytogenetic location: 9q34.3.
Variant type: single nucleotide variant.
Coding change: c.3114G>A on transcript NM_000093.5 (MANE Select); coding-DNA position 3114, G replaced by A.
Protein change: p.Lys1038=; no amino-acid change (lysine 1038 retained).
Molecular consequence: synonymous variant.
Genome position (GRCh38, 1-based): chr9:134,802,995, G>A. VCF-style: chr9-134802995-G-A. GRCh37 (hg19) VCF-style: chr9-137694841-G-A.
Other names: c.3114G>A, p.Lys1038= (NM_001278074.1).
Identifiers: ClinVar variation 2913884 (VCV002913884.3), dbSNP rs754386388, ClinGen allele CA5319755.